The following is an entry in ClinVar:

NM_025099.6(CTC1):c.1954G>A (p.Val652Met)

Gene: CTC1 (CST telomere replication complex component 1; minus strand). Cytogenetic location: 17p13.1.
Variant type: single nucleotide variant.
Coding change: c.1954G>A on transcript NM_025099.6 (MANE Select); coding-DNA position 1954, G replaced by A.
Protein change: p.Val652Met; replaces valine 652 with methionine.
Molecular consequence: missense variant. On other transcripts: non-coding transcript variant (1).
Genome position (GRCh38, 1-based): chr17:8,232,467, C>T on the plus strand (G>A on the coding strand, the complement: CTC1 is on the minus strand). VCF-style: chr17-8232467-C-T. GRCh37 (hg19) VCF-style: chr17-8135785-C-T.
Other names: c.1954G>A, p.Val652Met (NM_001411067.1); short protein forms V652M.
Identifiers: ClinVar variation 2131816 (VCV002131816.3), dbSNP rs769147608, ClinGen allele CA397980079.

ClinVar aggregate classification (germline): Uncertain significance (1 of 4 stars; one submission).

Conditions:
Dyskeratosis congenita. Identifiers: Orphanet 1775, MedGen C0265965, MONDO:0015780.

Submission:

Labcorp Genetics (formerly Invitae), Labcorp
Classification: Uncertain significance for Dyskeratosis congenita. Last evaluated: 2022-07-09. Review status: criteria provided, single submitter. Criteria: Invitae Variant Classification Sherloc (09022015). Collection method: clinical testing. Allele origin: germline.
Comment: This sequence change replaces valine, which is neutral and non-polar, with methionine, which is neutral and non-polar, at codon 652 of the CTC1 protein (p.Val652Met). This variant is not present in population databases (gnomAD no frequency). This variant has not been reported in the literature in individuals affected with CTC1-related conditions. Algorithms developed to predict the effect of missense changes on protein structure and function are either unavailable or do not agree on the potential impact of this missense change (SIFT: "Deleterious"; PolyPhen-2: "Benign"; Align-GVGD: "Class C0"). In summary, the available evidence is currently insufficient to determine the role of this variant in disease. Therefore, it has been classified as a Variant of Uncertain Significance.